The following is an entry in ClinVar:

ClinVar aggregate classification (germline): Uncertain significance. Review status: criteria provided, multiple submitters, no conflicts (2 of 4 stars). 2 submissions from 2 submitters: Uncertain significance (2). Last evaluated 2021-10-31.

Conditions:
Nemaline myopathy 2 (NEM2). Also called: Nemaline myopathy 2, autosomal recessive. Identifiers: MedGen C1850569, MONDO:0009725, OMIM 256030.

Submissions (2):

Labcorp Genetics (formerly Invitae), Labcorp
Classification: Uncertain significance for Nemaline myopathy 2. Last evaluated: 2021-10-31. Review status: criteria provided, single submitter. Criteria: Invitae Variant Classification Sherloc (09022015). Collection method: clinical testing. Allele origin: germline.
Comment: This variant has not been reported in the literature in individuals affected with NEB-related conditions. ClinVar contains an entry for this variant (Variation ID: 393091). Algorithms developed to predict the effect of missense changes on protein structure and function are either unavailable or do not agree on the potential impact of this missense change (SIFT: "Deleterious"; PolyPhen-2: "Not Available"; Align-GVGD: "Class C0"). In summary, the available evidence is currently insufficient to determine the role of this variant in disease. Therefore, it has been classified as a Variant of Uncertain Significance. This sequence change replaces methionine, which is neutral and non-polar, with leucine, which is neutral and non-polar, at codon 3821 of the NEB protein (p.Met3821Leu). This variant is not present in population databases (gnomAD no frequency).

GeneDx
Classification: Uncertain significance. Last evaluated: 2017-01-25. Review status: criteria provided, single submitter. Criteria: GeneDx Variant Classification (06012015). Collection method: clinical testing. Allele origin: germline. Affected: yes.
Comment: The M3821L variant has not been published as a pathogenic variant, nor has it been reported as a benign variant to our knowledge. The M3821L variant is not observed in large population cohorts (Lek et al., 2016; 1000 Genomes Consortium et al., 2015; Exome Variant Server). This variant is a conservative amino acid substitution, which is not likely to impact secondary protein structure as these residues share similar properties. However, this substitution occurs at a position that is conserved across species, and in silico analysis is inconsistent in its predictions as to whether or not the variant is damaging to the protein structure/function.

NM_001164508.2(NEB):c.11461A>T (p.Met3821Leu)

Gene: NEB (nebulin; minus strand). Cytogenetic location: 2q23.3.
Variant type: single nucleotide variant.
Coding change: c.11461A>T on transcript NM_001164508.2 (MANE Select); coding-DNA position 11461, A replaced by T.
Protein change: p.Met3821Leu; replaces methionine 3821 with leucine.
Molecular consequence: missense variant.
Genome position (GRCh38, 1-based): chr2:151,614,416, T>A on the plus strand (A>T on the coding strand, the complement: NEB is on the minus strand). VCF-style: chr2-151614416-T-A. GRCh37 (hg19) VCF-style: chr2-152470930-T-A.
Other names: c.11461A>T, p.Met3821Leu (NM_001164507.2, NM_001271208.2); c.10732A>T, p.Met3578Leu (NM_004543.5); short protein forms M3821L, M3578L.
Identifiers: ClinVar variation 393091 (VCV000393091.7), dbSNP rs1057524782, ClinGen allele CA16603974.